The following is an entry in ClinVar:

NM_001195263.2(PDZD7):c.117_121del (p.Thr40fs)

Gene: PDZD7 (PDZ domain containing 7; minus strand). Cytogenetic location: 10q24.31.
Variant type: Deletion.
Coding change: c.117_121del on transcript NM_001195263.2 (MANE Select); coding-DNA positions 117 to 121, 5 bases deleted (AACGC; older notation c.117_121delAACGC).
Protein change: p.Thr40fs; shifts the reading frame from threonine 40.
Molecular consequence: frameshift variant.
Genome position (GRCh38, 1-based): chr10:101,030,099-101,030,103, GCGTT deleted on the plus strand (AACGC on the coding strand, the reverse complement: PDZD7 is on the minus strand); deleting any 5 consecutive bases within chr10:101,030,099-101,030,106 gives the same sequence; the c. name uses the placement nearest the transcript's 3' end. VCF-style (leftmost placement, unchanged base first): chr10-101030098-CGCGTT-C. GRCh37 (hg19) VCF-style: chr10-102789855-CGCGTT-C.
Other names: c.117_121del, p.Thr40fs (NM_001351044.2, NM_024895.5); short protein forms T40fs.
Identifiers: ClinVar variation 1968479 (VCV001968479.5), dbSNP rs1938013397, ClinGen allele CA1932034922.

ClinVar aggregate classification (germline): Pathogenic (1 of 4 stars; one submission).

Submission:

Labcorp Genetics (formerly Invitae), Labcorp
Classification: Pathogenic. Last evaluated: 2022-09-27. Review status: criteria provided, single submitter. Criteria: Invitae Variant Classification Sherloc (09022015). Collection method: clinical testing. Allele origin: germline.
Comment: For these reasons, this variant has been classified as Pathogenic. This variant has not been reported in the literature in individuals affected with PDZD7-related conditions. This variant is not present in population databases (gnomAD no frequency). This variant is a gross deletion of the genomic region encompassing exon(s) 2 of the PDZD7 gene. This deletion is out-of-frame, and is expected to create a premature termination codon and result in an absent or disrupted protein product. Loss-of-function variants in PDZD7 are known to be pathogenic (PMID: 20440071).

Literature cited by the submitters: PubMed 20440071.